The following is an entry in ClinVar:

NM_001148.6(ANK2):c.9955G>A (p.Ala3319Thr)

Gene: ANK2 (ankyrin 2; plus strand). Cytogenetic location: 4q26.
Variant type: single nucleotide variant.
Coding change: c.9955G>A on transcript NM_001148.6 (MANE Select); coding-DNA position 9955, G replaced by A.
Protein change: p.Ala3319Thr; replaces alanine 3319 with threonine.
Molecular consequence: missense variant. On other transcripts: intron variant (68).
Genome position (GRCh38, 1-based): chr4:113,358,573, G>A. VCF-style: chr4-113358573-G-A. GRCh37 (hg19) VCF-style: chr4-114279729-G-A.
Other names: c.9721G>A, p.Ala3241Thr (NM_001386142.1); c.6355G>A, p.Ala2119Thr (NM_001386166.1); c.10096G>A, p.Ala3366Thr (NM_001386174.1); c.10072G>A, p.Ala3358Thr (NM_001386175.1); c.4412-2250G>A (NM_001386186.2, NM_001386148.2); c.4214-2250G>A (NM_001354269.3); c.4292-2250G>A (NM_001386187.2); c.4253-2250G>A (NM_001386147.1); and 35 more; short protein forms A3241T, A2119T, A3358T, A3319T, A3366T.
Identifiers: ClinVar variation 1512944 (VCV001512944.8), dbSNP rs754809421, ClinGen allele CA3052008.

ClinVar aggregate classification (germline): Uncertain significance (1 of 4 stars; one submission).

Conditions:
Long QT syndrome (LQTS). Identifiers: MedGen C0023976, MeSH D008133, MONDO:0002442. Disease mechanism: loss of function. Inheritance: Various modes of inheritance.

Allele frequency attached by ClinVar (database versions not stated): ExAC 0.00001; gnomAD 0.00001; gnomAD exomes 0.00001; TOPMed 0.00001.
gnomAD v4.1: 16 of 1,613,940 alleles (0.00099%); highest among the groups gnomAD compares: African/African-American, 0.0013%; no homozygotes.

Submission:

Labcorp Genetics (formerly Invitae), Labcorp
Classification: Uncertain significance for Long QT syndrome. Last evaluated: 2024-08-30. Review status: criteria provided, single submitter. Criteria: Invitae Variant Classification Sherloc (09022015). Collection method: clinical testing. Allele origin: germline.
Comment: This sequence change replaces alanine, which is neutral and non-polar, with threonine, which is neutral and polar, at codon 3319 of the ANK2 protein (p.Ala3319Thr). This variant is present in population databases (rs754809421, gnomAD 0.003%). This variant has not been reported in the literature in individuals affected with ANK2-related conditions. ClinVar contains an entry for this variant (Variation ID: 1512944). An algorithm developed to predict the effect of missense changes on protein structure and function outputs the following: PolyPhen-2: "Benign". The threonine amino acid residue is found in multiple mammalian species, which suggests that this missense change does not adversely affect protein function. In summary, the available evidence is currently insufficient to determine the role of this variant in disease. Therefore, it has been classified as a Variant of Uncertain Significance.